The following is an entry in ClinVar:

NM_001844.5(COL2A1):c.309+5G>A

Gene: COL2A1 (collagen type II alpha 1 chain; minus strand). Cytogenetic location: 12q13.11.
Variant type: single nucleotide variant.
Coding change: c.309+5G>A on transcript NM_001844.5 (MANE Select); 5 bases into the intron after coding-DNA position 309, G replaced by A.
Molecular consequence: intron variant.
Genome position (GRCh38, 1-based): chr12:47,998,410, C>T on the plus strand (G>A on the coding strand, the complement: COL2A1 is on the minus strand). VCF-style: chr12-47998410-C-T. GRCh37 (hg19) VCF-style: chr12-48392193-C-T.
Other names: c.102+5G>A (NM_033150.3).
Identifiers: ClinVar variation 2099936 (VCV002099936.4), dbSNP rs752610490, ClinGen allele CA2034482346.

ClinVar aggregate classification (germline): Uncertain significance (1 of 4 stars; one submission).

Submission:

Labcorp Genetics (formerly Invitae), Labcorp
Classification: Uncertain significance. Last evaluated: 2025-07-27. Review status: criteria provided, single submitter. Criteria: Invitae Variant Classification Sherloc (09022015). Collection method: clinical testing. Allele origin: germline.
Comment: This sequence change falls in intron 3 of the COL2A1 gene. It does not directly change the encoded amino acid sequence of the COL2A1 protein. It affects a nucleotide within the consensus splice site. This variant is not present in population databases (gnomAD no frequency). This variant has not been reported in the literature in individuals affected with COL2A1-related conditions. ClinVar contains an entry for this variant (Variation ID: 2099936). Variants that disrupt the consensus splice site are a relatively common cause of aberrant splicing (PMID: 17576681, 9536098). Algorithms developed to predict the effect of sequence changes on RNA splicing suggest that this variant is not likely to affect RNA splicing. In summary, the available evidence is currently insufficient to determine the role of this variant in disease. Therefore, it has been classified as a Variant of Uncertain Significance.

Literature cited by the submitters: PubMed 17576681; PubMed 9536098.